The following is an entry in ClinVar:

NM_012472.6(DNAAF11):c.326T>G (p.Leu109Trp)

Gene: DNAAF11 (dynein axonemal assembly factor 11; minus strand). Cytogenetic location: 8q24.22.
Variant type: single nucleotide variant.
Coding change: c.326T>G on transcript NM_012472.6 (MANE Select); coding-DNA position 326, T replaced by G.
Protein change: p.Leu109Trp; replaces leucine 109 with tryptophan.
Molecular consequence: missense variant. On other transcripts: 5 prime UTR variant (4), non-coding transcript variant (10).
Genome position (GRCh38, 1-based): chr8:132,638,038, A>C on the plus strand (T>G on the coding strand, the complement: DNAAF11 is on the minus strand). VCF-style: chr8-132638038-A-C. GRCh37 (hg19) VCF-style: chr8-133650284-A-C.
Other names: c.326T>G, p.Leu109Trp (NM_001321961.2); c.80T>G, p.Leu27Trp (NM_001321962.2); c.-35T>G (NM_001321963.2, NM_001321964.2, NM_001321965.2 and 1 more transcripts); short protein forms L109W, L27W.
Identifiers: ClinVar variation 2105170 (VCV002105170.4), dbSNP rs2538048423, ClinGen allele CA372295680.
Genomic context (GRCh38, chr8:132,638,038, plus strand): 5'-TCAAAGGAAGCACATGGGTTCCCCATGAGAAAGAGCTCCTTCAGATGGATATTGTGCTGC[A>C]AGTTTTTAATGCTGCTCAGCTCTCCAATGAAATTCACAGTCAGGTCAAGTTTTGCCAGCT-3'
Protein context (NP_036604.2, residues 99-119): FIGELSSIKN[Leu109Trp]QHNIHLKELF

ClinVar aggregate classification (germline): Likely pathogenic (1 of 4 stars; one submission).

Conditions:
Primary ciliary dyskinesia 19. Also called: CILIARY DYSKINESIA, PRIMARY, 19, WITH OR WITHOUT SITUS INVERSUS. Identifiers: Orphanet 244, MedGen C3543826, MONDO:0013979, OMIM 614935.

Submission:

Labcorp Genetics (formerly Invitae), Labcorp
Classification: Likely pathogenic for Primary ciliary dyskinesia 19. Last evaluated: 2022-11-29. Review status: criteria provided, single submitter. Criteria: Invitae Variant Classification Sherloc (09022015). Collection method: clinical testing. Allele origin: germline.
Comment: This sequence change replaces leucine, which is neutral and non-polar, with tryptophan, which is neutral and slightly polar, at codon 109 of the LRRC6 protein (p.Leu109Trp). This variant is not present in population databases (gnomAD no frequency). This missense change has been observed in individual(s) with clinical features of primary ciliary dyskinesia (Invitae). Advanced modeling of protein sequence and biophysical properties (such as structural, functional, and spatial information, amino acid conservation, physicochemical variation, residue mobility, and thermodynamic stability) performed at Invitae indicates that this missense variant is expected to disrupt LRRC6 protein function. In summary, the currently available evidence indicates that the variant is pathogenic, but additional data are needed to prove that conclusively. Therefore, this variant has been classified as Likely Pathogenic.